The following is an entry in ClinVar:

NM_001113491.2(SEPTIN9):c.767C>G (p.Pro256Arg)

Gene: SEPTIN9 (septin 9; plus strand). Cytogenetic location: 17q25.3.
Variant type: single nucleotide variant.
Coding change: c.767C>G on transcript NM_001113491.2 (MANE Select); coding-DNA position 767, C replaced by G.
Protein change: p.Pro256Arg; replaces proline 256 with arginine.
Molecular consequence: missense variant.
Genome position (GRCh38, 1-based): chr17:77,482,189, C>G. VCF-style: chr17-77482189-C-G. GRCh37 (hg19) VCF-style: chr17-75478271-C-G.
Other names: c.275C>G, p.Pro92Arg (NM_001113492.2, NM_001113494.1); c.746C>G, p.Pro249Arg (NM_001113493.2); c.14C>G, p.Pro5Arg (NM_001113495.2, NM_001113496.2, NM_001293697.2 and 1 more transcripts); c.710C>G, p.Pro237Arg (NM_001293695.2); c.95C>G, p.Pro32Arg (NM_001293696.2); c.713C>G, p.Pro238Arg (NM_006640.5); short protein forms P237R, P238R, P249R, P256R, P32R, P5R, P92R.
Identifiers: ClinVar variation 3617026 (VCV003617026.2).

ClinVar aggregate classification (germline): Uncertain significance (1 of 4 stars; one submission).

gnomAD v4.1: 8 of 1,608,056 alleles (0.0005%); highest among the groups gnomAD compares: Non-Finnish European, 0.00059%; no homozygotes.

Submission:

Labcorp Genetics (formerly Invitae), Labcorp
Classification: Uncertain significance. Last evaluated: 2024-08-07. Review status: criteria provided, single submitter. Criteria: Invitae Variant Classification Sherloc (09022015). Collection method: clinical testing. Allele origin: germline.
Comment: This sequence change replaces proline, which is neutral and non-polar, with arginine, which is basic and polar, at codon 238 of the SEPT9 protein (p.Pro238Arg). This variant is not present in population databases (gnomAD no frequency). This variant has not been reported in the literature in individuals affected with SEPT9-related conditions. Advanced modeling of protein sequence and biophysical properties (such as structural, functional, and spatial information, amino acid conservation, physicochemical variation, residue mobility, and thermodynamic stability) performed at Invitae indicates that this missense variant is not expected to disrupt SEPT9 protein function with a negative predictive value of 80%. In summary, the available evidence is currently insufficient to determine the role of this variant in disease. Therefore, it has been classified as a Variant of Uncertain Significance.